The following is an entry in ClinVar:

NM_024757.5(EHMT1):c.708G>C (p.Glu236Asp)

Gene: EHMT1 (euchromatic histone lysine methyltransferase 1; plus strand). Cytogenetic location: 9q34.3.
Variant type: single nucleotide variant.
Coding change: c.708G>C on transcript NM_024757.5 (MANE Select); coding-DNA position 708, G replaced by C.
Protein change: p.Glu236Asp; replaces glutamic acid 236 with aspartic acid.
Molecular consequence: missense variant.
Genome position (GRCh38, 1-based): chr9:137,728,414, G>C. VCF-style: chr9-137728414-G-C. GRCh37 (hg19) VCF-style: chr9-140622866-G-C.
Other names: c.708G>C, p.Glu236Asp (NM_001145527.2, NM_001354263.2, NM_001354611.2); c.615G>C, p.Glu205Asp (NM_001354259.2, NM_001354612.2); short protein forms E236D, E205D.
Identifiers: ClinVar variation 2131263 (VCV002131263.4), dbSNP rs1491003895, ClinGen allele CA375771929.

ClinVar aggregate classification (germline): Uncertain significance (1 of 4 stars; one submission).

Conditions:
Kleefstra syndrome 1 (KLEFS1). Identifiers: Orphanet 261494, MedGen C0795833, MONDO:0027407, OMIM 610253.

Submission:

Labcorp Genetics (formerly Invitae), Labcorp
Classification: Uncertain significance for Kleefstra syndrome 1. Last evaluated: 2022-04-29. Review status: criteria provided, single submitter. Criteria: Invitae Variant Classification Sherloc (09022015). Collection method: clinical testing. Allele origin: germline.
Comment: This variant is not present in population databases (gnomAD no frequency). In summary, the available evidence is currently insufficient to determine the role of this variant in disease. Therefore, it has been classified as a Variant of Uncertain Significance. Algorithms developed to predict the effect of missense changes on protein structure and function output the following: SIFT: "Tolerated"; PolyPhen-2: "Benign"; Align-GVGD: "Class C0". The aspartic acid amino acid residue is found in multiple mammalian species, which suggests that this missense change does not adversely affect protein function. This variant has not been reported in the literature in individuals affected with EHMT1-related conditions. This sequence change replaces glutamic acid, which is acidic and polar, with aspartic acid, which is acidic and polar, at codon 236 of the EHMT1 protein (p.Glu236Asp).